The following is an entry in ClinVar:

ClinVar aggregate classification (germline): Pathogenic (1 of 4 stars; one submission).

Conditions:
Mucopolysaccharidosis, MPS-II (MPS2). Also called: Hunter Syndrome; IDURONATE 2-SULFATASE DEFICIENCY; Mucopolysaccharidosis Type II; Mucopolysaccharidosis type 2; Attenuated MPS (subtype; formerly known as mild MPS II); Severe MPS II. Identifiers: Orphanet 580, Orphanet 79388, MedGen C0026705, MONDO:0010674, OMIM 309900.

Submission:

Laboratory of Diagnosis and Therapy of Lysosomal Disorders, University of Padova
Classification: Pathogenic for Mucopolysaccharidosis, MPS-II. Last evaluated: 2024-06-07. Review status: criteria provided, single submitter. Criteria: ACMG Guidelines, 2015. Collection method: literature only. Allele origin: germline. Affected: yes. Observed: 1 variant allele.
Comment: Null variant (PVS1_Strong), Absent from controls (or at low frequency) in gnomAD database (PM2_Moderate), Patient’s phenotype or family history highly specific for the disease (PP4_Strong)

Classification method: ACMG Guidelines [PMID:25741868] with modifications

Literature cited by the submitters: PubMed 36945845.

NM_000202.8(IDS):c.1142_1143del (p.Leu381fs)

Genes: IDS (iduronate 2-sulfatase; minus strand), LOC106050102 (IDS recombination region; plus strand). Cytogenetic location: Xq28.
Variant type: Deletion.
Coding change: c.1142_1143del on transcript NM_000202.8 (MANE Select); coding-DNA positions 1142 to 1143, 2 bases deleted (TC; older notation c.1142_1143delTC).
Protein change: p.Leu381fs; shifts the reading frame from leucine 381.
Molecular consequence: frameshift variant.
Genome position (GRCh38, 1-based): chrX:149,486,962-149,486,963, GA deleted on the plus strand (TC on the coding strand, the reverse complement: IDS is on the minus strand); deleting any 2 consecutive bases within chrX:149,486,962-149,486,964 gives the same sequence; the c. name uses the placement nearest the transcript's 3' end. VCF-style (leftmost placement, unchanged base first): chrX-149486961-CGA-C. GRCh37 (hg19) VCF-style: chrX-148568492-CGA-C.
Other names: c.872_873del, p.Leu291fs (NM_001166550.4); short protein forms L291fs, L381fs.
Identifiers: ClinVar variation 3255973 (VCV003255973.2).